The following is an entry in ClinVar:

ClinVar aggregate classification (germline): Benign/Likely benign. Review status: criteria provided, multiple submitters, no conflicts (2 of 4 stars). 5 submissions from 5 submitters: Benign (2); Likely benign (3). Last evaluated 2026-07-09.

Conditions:
OTOGL-related disorder. Also called: OTOGL-related condition.

Allele frequency attached by ClinVar (database versions not stated): gnomAD 0.00021 and 0.00031; gnomAD exomes 0.00037 and 0.00057; TOPMed 0.00039; ExAC 0.00098; 1000 Genomes Project 30x 0.00172; 1000 Genomes Project 0.00200.

Submissions (5):

PreventionGenetics, part of Exact Sciences
Classification: Likely benign for OTOGL-related condition. Last evaluated: 2026-07-09. Review status: criteria provided, single submitter. Criteria: ACMG Guidelines, 2015. Collection method: clinical testing. Allele origin: germline.
Comment: This variant is classified as likely benign based on ACMG/AMP sequence variant interpretation guidelines (Richards et al. 2015 PMID: 25741868, with internal and published modifications).

Labcorp Genetics (formerly Invitae), Labcorp
Classification: Benign. Last evaluated: 2025-12-15. Review status: criteria provided, single submitter. Criteria: Invitae Variant Classification Sherloc (09022015). Collection method: clinical testing. Allele origin: germline.

Blueprint Genetics
Classification: Likely benign. Last evaluated: 2024-09-24. Review status: criteria provided, single submitter. Criteria: ACMG Guidelines, 2015. Collection method: clinical testing. Allele origin: germline.

GeneDx
Classification: Likely benign. Last evaluated: 2021-03-24. Review status: criteria provided, single submitter. Criteria: GeneDx Variant Classification Process June 2021. Collection method: clinical testing. Allele origin: germline. Affected: yes.

Laboratory for Molecular Medicine, Mass General Brigham Personalized Medicine
Classification: Benign. Last evaluated: 2015-05-07. Review status: criteria provided, single submitter. Criteria: LMM Criteria. Collection method: clinical testing. Allele origin: germline. Observed: 1 variant allele.
Comment: p.Pro1681Leu in exon 43 of OTOGL: This variant is not expected to have clinical significance because it has been identified in 1.2% (65/5238) of East Asian chro mosomes by the Exome Aggregation Consortium (ExAC, g; dbSNP rs185895624).

NM_001378609.3(OTOGL):c.5069C>T (p.Pro1690Leu)

Gene: OTOGL (otogelin like; plus strand). Cytogenetic location: 12q21.31.
Variant type: single nucleotide variant.
Coding change: c.5069C>T on transcript NM_001378609.3 (MANE Select); coding-DNA position 5069, C replaced by T.
Protein change: p.Pro1690Leu; replaces proline 1690 with leucine.
Molecular consequence: missense variant.
Genome position (GRCh38, 1-based): chr12:80,341,966, C>T. VCF-style: chr12-80341966-C-T. GRCh37 (hg19) VCF-style: chr12-80735746-C-T.
Other names: c.4934C>T, p.Pro1645Leu (NM_001368062.3); c.5069C>T, p.Pro1690Leu (NM_001378610.3, NM_173591.7); short protein forms P1681L, P1645L, P1690L.
Identifiers: ClinVar variation 226951 (VCV000226951.17), dbSNP rs185895624, ClinGen allele CA6701629.